The following is an entry in ClinVar:

ClinVar aggregate classification (germline): Conflicting classifications of pathogenicity. Review status: criteria provided, conflicting classifications (1 of 4 stars). 3 submissions from 3 submitters: Uncertain significance (1); Likely benign (2). Last evaluated 2025-03-13.

Conditions:
Periventricular heterotopia with microcephaly, autosomal recessive (ARPHM). Also called: Periventricular heterotopia with microcephaly; PERIVENTRICULAR NODULAR HETEROTOPIA 2. Identifiers: Orphanet 2149, MedGen C1842563, MONDO:0011966, OMIM 608097.

Allele frequency attached by ClinVar (database versions not stated): TOPMed below 0.00001; gnomAD 0.00001 and 0.00002; gnomAD exomes 0.00003; ExAC 0.00004; ESP Exome Variant Server 0.00008; 1000 Genomes Project 30x 0.00016; 1000 Genomes Project 0.00020.
gnomAD v4.1: 24 of 1,584,054 alleles (0.0015%); highest among the groups gnomAD compares: Middle Eastern, 0.033%; no homozygotes.

Submissions (3):

Labcorp Genetics (formerly Invitae), Labcorp
Classification: Likely benign. Last evaluated: 2025-03-13. Review status: criteria provided, single submitter. Criteria: Invitae Variant Classification Sherloc (09022015). Collection method: clinical testing. Allele origin: germline.

Illumina Laboratory Services, Illumina
Classification: Uncertain significance for Periventricular heterotopia with microcephaly, autosomal recessive. Last evaluated: 2018-01-12. Review status: criteria provided, single submitter. Criteria: ICSL Variant Classification Criteria 13 December 2019. Collection method: clinical testing. Allele origin: germline.

GeneDx
Classification: Likely benign. Last evaluated: 2017-03-30. Review status: criteria provided, single submitter. Criteria: GeneDx Variant Classification (06012015). Collection method: clinical testing. Allele origin: germline. Affected: yes.
Comment: This variant is considered likely benign or benign based on one or more of the following criteria: it is a conservative change, it occurs at a poorly conserved position in the protein, it is predicted to be benign by multiple in silico algorithms, and/or has population frequency not consistent with disease.

NM_006420.3(ARFGEF2):c.1425+15G>A

Gene: ARFGEF2 (ARF guanine nucleotide exchange factor 2; plus strand). Cytogenetic location: 20q13.13.
Variant type: single nucleotide variant.
Coding change: c.1425+15G>A on transcript NM_006420.3 (MANE Select); 15 bases into the intron after coding-DNA position 1425, G replaced by A.
Molecular consequence: intron variant.
Genome position (GRCh38, 1-based): chr20:48,971,369, G>A. VCF-style: chr20-48971369-G-A. GRCh37 (hg19) VCF-style: chr20-47587906-G-A.
Identifiers: ClinVar variation 338688 (VCV000338688.8), dbSNP rs374522450, ClinGen allele CA9898393.